The following is an entry in ClinVar:

ClinVar aggregate classification (germline): Uncertain significance. Review status: criteria provided, multiple submitters, no conflicts (2 of 4 stars). 2 submissions from 2 submitters: Uncertain significance (2). Last evaluated 2024-10-02.

gnomAD v4.1: 40 of 1,613,856 alleles (0.0025%); highest among the groups gnomAD compares: Middle Eastern, 0.033%; no homozygotes.

Submissions (2):

Labcorp Genetics (formerly Invitae), Labcorp
Classification: Uncertain significance. Last evaluated: 2024-10-02. Review status: criteria provided, single submitter. Criteria: Invitae Variant Classification Sherloc (09022015). Collection method: clinical testing. Allele origin: germline.
Comment: This sequence change replaces alanine, which is neutral and non-polar, with threonine, which is neutral and polar, at codon 2456 of the FAT1 protein (p.Ala2456Thr). This variant is present in population databases (rs370340394, gnomAD 0.007%). This variant has not been reported in the literature in individuals affected with FAT1-related conditions. An algorithm developed to predict the effect of missense changes on protein structure and function outputs the following: PolyPhen-2: "Benign". The threonine amino acid residue is found in multiple mammalian species, which suggests that this missense change does not adversely affect protein function. In summary, the available evidence is currently insufficient to determine the role of this variant in disease. Therefore, it has been classified as a Variant of Uncertain Significance.

Mayo Clinic Laboratories, Mayo Clinic
Classification: Uncertain significance. Last evaluated: 2024-04-26. Review status: criteria provided, single submitter. Criteria: ACMG Guidelines, 2015. Collection method: clinical testing. Allele origin: germline. Observed: 2 variant alleles.
Comment: BP4

NM_005245.4(FAT1):c.7366G>A (p.Ala2456Thr)

Gene: FAT1 (FAT atypical cadherin 1; minus strand). Cytogenetic location: 4q35.2.
Variant type: single nucleotide variant.
Coding change: c.7366G>A on transcript NM_005245.4 (MANE Select); coding-DNA position 7366, G replaced by A.
Protein change: p.Ala2456Thr; replaces alanine 2456 with threonine.
Molecular consequence: missense variant.
Genome position (GRCh38, 1-based): chr4:186,619,220, C>T on the plus strand (G>A on the coding strand, the complement: FAT1 is on the minus strand). VCF-style: chr4-186619220-C-T. GRCh37 (hg19) VCF-style: chr4-187540374-C-T.
Other names: p.Ala2456Thr; short protein forms A2456T.
Identifiers: ClinVar variation 3379575 (VCV003379575.3).